The following is an entry in ClinVar:

NM_020191.4(MRPS22):c.232A>G (p.Ile78Val)

Gene: MRPS22 (mitochondrial ribosomal protein S22; plus strand). Cytogenetic location: 3q23.
Variant type: single nucleotide variant.
Coding change: c.232A>G on transcript NM_020191.4 (MANE Select); coding-DNA position 232, A replaced by G.
Protein change: p.Ile78Val; replaces isoleucine 78 with valine.
Molecular consequence: missense variant.
Genome position (GRCh38, 1-based): chr3:139,346,937, A>G. VCF-style: chr3-139346937-A-G. GRCh37 (hg19) VCF-style: chr3-139065779-A-G.
Other names: c.109A>G, p.Ile37Val (NM_001363857.1); c.229A>G, p.Ile77Val (NM_001363893.1); short protein forms I78V, I37V, I77V.
Identifiers: ClinVar variation 1372518 (VCV001372518.5), dbSNP rs200542439, ClinGen allele CA324122.
Genomic context (GRCh38, chr3:139,346,937, plus strand): 5'-GCAGAATCTGGTAGCCCAGAGACCAAGAAACCTACATTTATGGATGAGGAAGTTCAAAGC[A>G]TACTCACGAAAATGACAGGCTTGAACTTGCAGAAGACTTTTAAGCCAGCTATACAAGAAC-3'
Protein context (NP_064576.1, residues 68-88): PTFMDEEVQS[Ile78Val]LTKMTGLNLQ

ClinVar aggregate classification (germline): Uncertain significance (1 of 4 stars; one submission).

Allele frequency attached by ClinVar (database versions not stated): 1000 Genomes Project 30x 0.00016; 1000 Genomes Project 0.00020.

Submission:

Labcorp Genetics (formerly Invitae), Labcorp
Classification: Uncertain significance. Last evaluated: 2022-01-11. Review status: criteria provided, single submitter. Criteria: Invitae Variant Classification Sherloc (09022015). Collection method: clinical testing. Allele origin: germline.
Comment: In summary, the available evidence is currently insufficient to determine the role of this variant in disease. Therefore, it has been classified as a Variant of Uncertain Significance. Algorithms developed to predict the effect of missense changes on protein structure and function (SIFT, PolyPhen-2, Align-GVGD) all suggest that this variant is likely to be tolerated. This variant has not been reported in the literature in individuals affected with MRPS22-related conditions. This variant is present in population databases (rs200542439, gnomAD 0.02%). This sequence change replaces isoleucine, which is neutral and non-polar, with valine, which is neutral and non-polar, at codon 78 of the MRPS22 protein (p.Ile78Val).